The following is an entry in ClinVar:

NM_000632.4(ITGAM):c.2862A>C (p.Gln954His)

Gene: ITGAM (integrin subunit alpha M; plus strand). Cytogenetic location: 16p11.2.
Variant type: single nucleotide variant.
Coding change: c.2862A>C on transcript NM_000632.4 (MANE Select); coding-DNA position 2862, A replaced by C.
Protein change: p.Gln954His; replaces glutamine 954 with histidine.
Molecular consequence: missense variant.
Genome position (GRCh38, 1-based): chr16:31,329,297, A>C. VCF-style: chr16-31329297-A-C. GRCh37 (hg19) VCF-style: chr16-31340618-A-C.
Other names: c.2865A>C, p.Gln955His (NM_001145808.2); short protein forms Q954H, Q955H.
Identifiers: ClinVar variation 1373902 (VCV001373902.6), dbSNP rs766609008, ClinGen allele CA8025993.
Genomic context (GRCh38, chr16:31,329,297, plus strand): 5'-CTCCACTAAATATCTCAACTTCACGGCCTCAGAGAATACCAGTCGGGTCATGCAGCATCA[A>C]TATCAGGTGGGCAGCTGGGACGTCTGGGTCCTGAGAAGGAGGCTGGGGAGGAAAATCGAT-3'
Protein context (NP_000623.2, residues 944-964): SENTSRVMQH[Gln954His]YQVSNLGQRS

ClinVar aggregate classification (germline): Uncertain significance (1 of 4 stars; one submission).

gnomAD v4.1: 3 of 1,610,100 alleles (0.00019%); highest among the groups gnomAD compares: Non-Finnish European, 0.00025%; no homozygotes.

Submission:

Labcorp Genetics (formerly Invitae), Labcorp
Classification: Uncertain significance. Last evaluated: 2024-05-08. Review status: criteria provided, single submitter. Criteria: Invitae Variant Classification Sherloc (09022015). Collection method: clinical testing. Allele origin: germline.
Comment: This sequence change replaces glutamine, which is neutral and polar, with histidine, which is basic and polar, at codon 954 of the ITGAM protein (p.Gln954His). This variant is present in population databases (rs766609008, gnomAD 0.0009%). This variant has not been reported in the literature in individuals affected with ITGAM-related conditions. ClinVar contains an entry for this variant (Variation ID: 1373902). Algorithms developed to predict the effect of missense changes on protein structure and function output the following: SIFT: "Not Available"; PolyPhen-2: "Benign"; Align-GVGD: "Not Available". The histidine amino acid residue is found in multiple mammalian species, which suggests that this missense change does not adversely affect protein function. In summary, the available evidence is currently insufficient to determine the role of this variant in disease. Therefore, it has been classified as a Variant of Uncertain Significance.